The following is an entry in ClinVar:

NM_014043.4(CHMP2B):c.381T>G (p.Asn127Lys)

Gene: CHMP2B (charged multivesicular body protein 2B; plus strand). Cytogenetic location: 3p11.2.
Variant type: single nucleotide variant.
Coding change: c.381T>G on transcript NM_014043.4 (MANE Select); coding-DNA position 381, T replaced by G.
Protein change: p.Asn127Lys; replaces asparagine 127 with lysine.
Molecular consequence: missense variant.
Genome position (GRCh38, 1-based): chr3:87,249,934, T>G. VCF-style: chr3-87249934-T-G. GRCh37 (hg19) VCF-style: chr3-87299084-T-G.
Other names: c.258T>G, p.Asn86Lys (NM_001244644.2); c.477T>G, p.Asn159Lys (NM_001410777.1); short protein forms N127K, N159K, N86K.
Identifiers: ClinVar variation 5040049 (VCV005040049.1).

ClinVar aggregate classification (germline): Uncertain significance (1 of 4 stars; one submission).

gnomAD v4.1: 1 of 1,605,484 alleles (0.000062%); highest among the groups gnomAD compares: Non-Finnish European, 0.000085%; no homozygotes.

Submission:

CeGaT Center for Human Genetics Tuebingen
Classification: Uncertain significance. Last evaluated: 2026-07-01. Review status: criteria provided, single submitter. Criteria: CeGaT Center For Human Genetics Tuebingen Variant Classification Criteria Version 2. Collection method: clinical testing. Allele origin: germline. Affected: yes. Observed: 1 variant allele.
Comment: CHMP2B: PM2